The following is an entry in ClinVar:

NC_000016.9:g.(?_1496632)_(1524975_?)del

Gene: CLCN7 (chloride voltage-gated channel 7; minus strand). Cytogenetic location: 16p13.3.
Variant type: Deletion.
Identifiers: ClinVar variation 2424116 (VCV002424116.3).

ClinVar aggregate classification (germline): Pathogenic (1 of 4 stars; one submission).

Submission:

Labcorp Genetics (formerly Invitae), Labcorp
Classification: Pathogenic. Last evaluated: 2022-06-27. Review status: criteria provided, single submitter. Criteria: Invitae Variant Classification Sherloc (09022015). Collection method: clinical testing. Allele origin: germline.
Comment: A gross deletion of the genomic region encompassing the full coding sequence of the CLCN7 gene has been identified. Loss-of-function variants in CLCN7 are known to be pathogenic (PMID: 14584882, 19953639). The boundaries of this event are unknown as they extend beyond the assayed region for this gene and therefore may encompass additional genes. This variant has not been reported in the literature in individuals affected with CLCN7-related conditions. For these reasons, this variant has been classified as Pathogenic.

Literature cited by the submitters: PubMed 14584882; PubMed 19953639.